The following is an entry in ClinVar:

ClinVar aggregate classification (germline): Uncertain significance (1 of 4 stars; one submission).

gnomAD v4.1: 35 of 1,612,356 alleles (0.0022%); highest among the groups gnomAD compares: Non-Finnish European, 0.0026%; no homozygotes.

Submission:

Labcorp Genetics (formerly Invitae), Labcorp
Classification: Uncertain significance. Last evaluated: 2025-06-08. Review status: criteria provided, single submitter. Criteria: Invitae Variant Classification Sherloc (09022015). Collection method: clinical testing. Allele origin: germline.
Comment: This sequence change replaces arginine, which is basic and polar, with histidine, which is basic and polar, at codon 413 of the ADGRA3 protein (p.Arg413His). This variant is present in population databases (rs144734405, gnomAD 0.005%). This variant has not been reported in the literature in individuals affected with ADGRA3-related conditions. An algorithm developed to predict the effect of missense changes on protein structure and function (PolyPhen-2) suggests that this variant is likely to be disruptive. In summary, the available evidence is currently insufficient to determine the role of this variant in disease. Therefore, it has been classified as a Variant of Uncertain Significance.

NM_145290.4(ADGRA3):c.1238G>A (p.Arg413His)

Gene: ADGRA3 (adhesion G protein-coupled receptor A3; minus strand). Cytogenetic location: 4p15.2.
Variant type: single nucleotide variant.
Coding change: c.1238G>A on transcript NM_145290.4 (MANE Select); coding-DNA position 1238, G replaced by A.
Protein change: p.Arg413His; replaces arginine 413 with histidine.
Molecular consequence: missense variant.
Genome position (GRCh38, 1-based): chr4:22,436,489, C>T on the plus strand (G>A on the coding strand, the complement: ADGRA3 is on the minus strand). VCF-style: chr4-22436489-C-T. GRCh37 (hg19) VCF-style: chr4-22438112-C-T.
Other names: short protein forms R413H.
Identifiers: ClinVar variation 4737307 (VCV004737307.1).